The following is an entry in ClinVar:

ClinVar aggregate classification (germline): Uncertain significance (1 of 4 stars; one submission).

Conditions:
Neuroblastoma, susceptibility to, 3. Also called: ALK-Related Neuroblastic Tumor Susceptibility. Identifiers: Orphanet 635, MedGen C2751681, MONDO:0013083, OMIM 613014.

Submission:

Labcorp Genetics (formerly Invitae), Labcorp
Classification: Uncertain significance for Neuroblastoma, susceptibility to, 3. Last evaluated: 2021-07-29. Review status: criteria provided, single submitter. Criteria: Invitae Variant Classification Sherloc (09022015). Collection method: clinical testing. Allele origin: germline.
Comment: In summary, the available evidence is currently insufficient to determine the role of this variant in disease. Therefore, it has been classified as a Variant of Uncertain Significance. Algorithms developed to predict the effect of missense changes on protein structure and function are either unavailable or do not agree on the potential impact of this missense change (SIFT: "Tolerated"; PolyPhen-2: "Possibly Damaging"; Align-GVGD: "Class C0"). This variant has not been reported in the literature in individuals affected with ALK-related conditions. This variant is not present in population databases (ExAC no frequency). This sequence change replaces leucine with phenylalanine at codon 376 of the ALK protein (p.Leu376Phe). The leucine residue is moderately conserved and there is a small physicochemical difference between leucine and phenylalanine.

NM_004304.5(ALK):c.1126C>T (p.Leu376Phe)

Gene: ALK (ALK receptor tyrosine kinase; minus strand). Cytogenetic location: 2p23.2.
Variant type: single nucleotide variant.
Coding change: c.1126C>T on transcript NM_004304.5 (MANE Select); coding-DNA position 1126, C replaced by T.
Protein change: p.Leu376Phe; replaces leucine 376 with phenylalanine.
Molecular consequence: missense variant.
Genome position (GRCh38, 1-based): chr2:29,531,943, G>A on the plus strand (C>T on the coding strand, the complement: ALK is on the minus strand). VCF-style: chr2-29531943-G-A. GRCh37 (hg19) VCF-style: chr2-29754809-G-A.
Other names: short protein forms L376F.
Identifiers: ClinVar variation 1378066 (VCV001378066.6), dbSNP rs2148158493, ClinGen allele CA346587218.
Genomic context (GRCh38, chr2:29,531,943, plus strand): 5'-AAAATCAATTTTGGACATGGAGAAGTACTTACCCATGCTTCCCTGGAGTGGGCATCAGGA[G>A]GATCTCTCTTGCAGCCTCGTTGTGGGGCAGCAGCTGGGCAATGTACCTTCCAGAGGGCTG-3'
Protein context (NP_004295.2, residues 366-386): LPHNEAAREI[Leu376Phe]LMPTPGKHGW